The following is an entry in ClinVar:

ClinVar aggregate classification (germline): Uncertain significance (1 of 4 stars; one submission).

Conditions:
Inborn genetic diseases. Identifiers: MedGen C0950123, MeSH D030342.

gnomAD v4.1: 1 of 1,426,472 alleles (0.00007%); highest among the groups gnomAD compares: Non-Finnish European, 0.000092%; no homozygotes.

Submission:

Ambry Genetics
Classification: Uncertain significance for Inborn genetic diseases. Last evaluated: 2025-06-04. Review status: criteria provided, single submitter. Criteria: Ambry Variant Classification Scheme 2023. Collection method: clinical testing. Allele origin: germline.
Comment: The p.E76A variant (also known as c.227A>C), located in coding exon 1 of the KDM1A gene, results from an A to C substitution at nucleotide position 227. The glutamic acid at codon 76 is replaced by alanine, an amino acid with dissimilar properties. This amino acid position is conserved. In addition, this alteration is predicted to be tolerated by in silico analysis. Based on the available evidence, the clinical significance of this variant remains unclear.

NM_001009999.3(KDM1A):c.227A>C (p.Glu76Ala)

Gene: KDM1A (lysine demethylase 1A; plus strand). Cytogenetic location: 1p36.12.
Variant type: single nucleotide variant.
Coding change: c.227A>C on transcript NM_001009999.3 (MANE Select); coding-DNA position 227, A replaced by C.
Protein change: p.Glu76Ala; replaces glutamic acid 76 with alanine.
Molecular consequence: missense variant.
Genome position (GRCh38, 1-based): chr1:23,019,823, A>C. VCF-style: chr1-23019823-A-C. GRCh37 (hg19) VCF-style: chr1-23346316-A-C.
Other names: c.227A>C, p.Glu76Ala (NM_001363654.2, NM_001410762.1, NM_001410763.1 and 1 more transcripts); short protein forms E76A.
Identifiers: ClinVar variation 4042176 (VCV004042176.1).
Genomic context (GRCh38, chr1:23,019,823, plus strand): 5'-GGGAGCGCACACCCCGCAAGAAAGAGCCTCCGCGGGCCTCGCCCCCCGGGGGCCTGGCGG[A>C]ACCGCCGGGGTCCGCAGGGCCTCAGGCCGGCCCTACTGTCGTGCCTGGGTCTGCGACCCC-3'
Protein context (NP_001009999.1, residues 66-86): PRASPPGGLA[Glu76Ala]PPGSAGPQAG